The following is an entry in ClinVar:

ClinVar aggregate classification (germline): Uncertain significance. Review status: criteria provided, single submitter (1 of 4 stars). 3 submissions from 3 submitters: Uncertain significance (1). 2 of the submissions do not count toward it. Last evaluated 2022-03-10.

Conditions:
Peroxisome biogenesis disorder, complementation group 7 (CG7). Also called: Peroxisome biogenesis disorder, complementation group B. Identifiers: MedGen C1864399.
PEX10-related disorder. Also called: PEX10-related condition.
Zellweger spectrum disorders (ZS). Also called: Zellweger Spectrum Disorder; Zellweger Spectrum; Zellweger syndrome; Zellweger Spectrum Disorder (ZSD). Identifiers: Orphanet 912, MedGen C0043459, MONDO:0019609.

Allele frequency attached by ClinVar (database versions not stated): gnomAD 0.00001; gnomAD exomes 0.00001 and 0.00002; TOPMed 0.00001; ExAC 0.00002; ESP Exome Variant Server 0.00008; 1000 Genomes Project 30x 0.00016; 1000 Genomes Project 0.00020.
gnomAD v4.1: 12 of 1,614,028 alleles (0.00074%); highest among the groups gnomAD compares: Middle Eastern, 0.016%; no homozygotes.

Submissions (3):

Labcorp Genetics (formerly Invitae), Labcorp
Classification: Uncertain significance for Peroxisome biogenesis disorder, complementation group 7. Last evaluated: 2022-03-10. Review status: criteria provided, single submitter. Criteria: Invitae Variant Classification Sherloc (09022015). Collection method: clinical testing. Allele origin: germline.
Comment: This sequence change replaces arginine, which is basic and polar, with glutamine, which is neutral and polar, at codon 83 of the PEX10 protein (p.Arg83Gln). This variant is present in population databases (rs372894429, gnomAD 0.006%). This variant has not been reported in the literature in individuals affected with PEX10-related conditions. ClinVar contains an entry for this variant (Variation ID: 838963). Algorithms developed to predict the effect of missense changes on protein structure and function output the following: SIFT: "Tolerated"; PolyPhen-2: "Benign"; Align-GVGD: "Class C0". The glutamine amino acid residue is found in multiple mammalian species, which suggests that this missense change does not adversely affect protein function. Algorithms developed to predict the effect of sequence changes on RNA splicing suggest that this variant may create or strengthen a splice site. In summary, the available evidence is currently insufficient to determine the role of this variant in disease. Therefore, it has been classified as a Variant of Uncertain Significance.

PreventionGenetics, part of Exact Sciences
Classification: Uncertain significance for PEX10-related condition. Last evaluated: 2024-09-12. Review status: no assertion criteria provided. Collection method: clinical testing. Allele origin: germline. Not counted in ClinVar's aggregate classification.
Comment: The PEX10 c.248G>A variant is predicted to result in the amino acid substitution p.Arg83Gln. To our knowledge, this variant has not been reported in the literature. This variant is reported in 0.0058% of alleles in individuals of Latino descent in gnomAD. At this time, the clinical significance of this variant is uncertain due to the absence of conclusive functional and genetic evidence.

Natera, Inc.
Classification: Uncertain significance for Zellweger syndrome. Last evaluated: 2020-07-29. Review status: no assertion criteria provided. Collection method: clinical testing. Allele origin: germline. Not counted in ClinVar's aggregate classification.

NM_002617.4(PEX10):c.248G>A (p.Arg83Gln)

Gene: PEX10 (peroxisomal biogenesis factor 10; minus strand). Cytogenetic location: 1p36.32.
Variant type: single nucleotide variant.
Coding change: c.248G>A on transcript NM_002617.4 (MANE Select); coding-DNA position 248, G replaced by A.
Protein change: p.Arg83Gln; replaces arginine 83 with glutamine.
Molecular consequence: missense variant. On other transcripts: 5 prime UTR variant (2), non-coding transcript variant (1).
Genome position (GRCh38, 1-based): chr1:2,408,804, C>T on the plus strand (G>A on the coding strand, the complement: PEX10 is on the minus strand). VCF-style: chr1-2408804-C-T. GRCh37 (hg19) VCF-style: chr1-2340243-C-T.
Other names: c.248G>A, p.Arg83Gln (NM_001374425.1, NM_153818.2); c.-185G>A (NM_001374426.1, NM_001374427.1); short protein forms R83Q.
Identifiers: ClinVar variation 838963 (VCV000838963.5), dbSNP rs372894429, ClinGen allele CA538235.